The following is an entry in ClinVar:

ClinVar aggregate classification (germline): Likely benign. Review status: criteria provided, multiple submitters, no conflicts (2 of 4 stars). 3 submissions from 3 submitters: Likely benign (2). 1 of the submissions does not count toward it. Last evaluated 2025-01-24.

Conditions:
CDT1-related disorder. Also called: CDT1-related condition.

Allele frequency attached by ClinVar (database versions not stated): TOPMed 0.00004; gnomAD 0.00005; ExAC 0.00007.
gnomAD v4.1: 85 of 1,608,726 alleles (0.0053%); highest among the groups gnomAD compares: Non-Finnish European, 0.0064%; 1 homozygote.

Submissions (3):

Labcorp Genetics (formerly Invitae), Labcorp
Classification: Likely benign. Last evaluated: 2025-01-24. Review status: criteria provided, single submitter. Criteria: Invitae Variant Classification Sherloc (09022015). Collection method: clinical testing. Allele origin: germline.

Blueprint Genetics
Classification: Likely benign. Last evaluated: 2024-10-24. Review status: criteria provided, single submitter. Criteria: ACMG Guidelines, 2015. Collection method: clinical testing. Allele origin: germline.

PreventionGenetics, part of Exact Sciences
Classification: Likely benign for CDT1-related condition. Last evaluated: 2019-08-13. Review status: no assertion criteria provided. Collection method: clinical testing. Allele origin: germline. Not counted in ClinVar's aggregate classification.
Comment: This variant is classified as likely benign based on ACMG/AMP sequence variant interpretation guidelines (Richards et al. 2015 PMID: 25741868, with internal and published modifications).

NM_030928.4(CDT1):c.1107C>T (p.Asn369=)

Gene: CDT1 (chromatin licensing and DNA replication factor 1; plus strand). Cytogenetic location: 16q24.3.
Variant type: single nucleotide variant.
Coding change: c.1107C>T on transcript NM_030928.4 (MANE Select); coding-DNA position 1107, C replaced by T.
Protein change: p.Asn369=; no amino-acid change (asparagine 369 retained).
Molecular consequence: synonymous variant.
Genome position (GRCh38, 1-based): chr16:88,806,659, C>T. VCF-style: chr16-88806659-C-T. GRCh37 (hg19) VCF-style: chr16-88873067-C-T.
Identifiers: ClinVar variation 3053568 (VCV003053568.5), dbSNP rs775639705, ClinGen allele CA8233977.
Genomic context (GRCh38, chr16:88,806,659, plus strand): 5'-CCAGCCACCCGCCACGGAGAAGCTCACCACTGCTCAGGAGGTGCTGGCCCGGGCCCGCAA[C>T]CTGATTTCACCCAGGGTGAGACTGCGAGGCTTGGGCAGCCCATTTCTCCCGGGTGGGTGG-3'
Protein context (NP_112190.2, residues 359-379): TAQEVLARAR[Asn369=]LISPRMEKAL